The following is an entry in ClinVar:

NM_005188.4(CBL):c.2041C>G (p.Leu681Val)

Gene: CBL (Cbl proto-oncogene; plus strand). Cytogenetic location: 11q23.3.
Variant type: single nucleotide variant.
Coding change: c.2041C>G on transcript NM_005188.4 (MANE Select); coding-DNA position 2041, C replaced by G.
Protein change: p.Leu681Val; replaces leucine 681 with valine.
Molecular consequence: missense variant.
Genome position (GRCh38, 1-based): chr11:119,296,922, C>G. VCF-style: chr11-119296922-C-G. GRCh37 (hg19) VCF-style: chr11-119167632-C-G.
Other names: short protein forms L681V.
Identifiers: ClinVar variation 3996032 (VCV003996032.1).
Genomic context (GRCh38, chr11:119,296,922, plus strand): 5'-TTCAAAGTTTACTGGTTTGTTACTTCTTTTTCTATTTTTTATTCTTCATCTTCCAGACCT[C>G]TTCCTGTGCCAAAACTGCCACCTGGGGAGCAATGTGAGGGTGAAGAGGACACAGAGTACA-3'
Protein context (NP_005179.2, residues 671-691): NAIYSLAARP[Leu681Val]PVPKLPPGEQ

ClinVar aggregate classification (germline): Uncertain significance (1 of 4 stars; one submission).

Conditions:
Cardiovascular phenotype. Identifiers: MedGen CN230736.

gnomAD v4.1: 3 of 1,546,434 alleles (0.00019%); highest among the groups gnomAD compares: African/African-American, 0.0041%; no homozygotes.

Submission:

Ambry Genetics
Classification: Uncertain significance for Cardiovascular phenotype. Last evaluated: 2025-04-23. Review status: criteria provided, single submitter. Criteria: Ambry Variant Classification Scheme 2023. Collection method: clinical testing. Allele origin: germline.
Comment: The p.L681V variant (also known as c.2041C>G), located in coding exon 13 of the CBL gene, results from a C to G substitution at nucleotide position 2041. The leucine at codon 681 is replaced by valine, an amino acid with highly similar properties. This amino acid position is conserved. In addition, this alteration is predicted to be tolerated by in silico analysis. Based on the available evidence, the clinical significance of this variant remains unclear.